The following is an entry in ClinVar:

NM_000400.4(ERCC2):c.2186A>G (p.His729Arg)

Gene: ERCC2 (ERCC excision repair 2, TFIIH core complex helicase subunit; minus strand). Cytogenetic location: 19q13.32.
Variant type: single nucleotide variant.
Coding change: c.2186A>G on transcript NM_000400.4 (MANE Select); coding-DNA position 2186, A replaced by G.
Protein change: p.His729Arg; replaces histidine 729 with arginine.
Molecular consequence: missense variant.
Genome position (GRCh38, 1-based): chr19:45,352,213, T>C on the plus strand (A>G on the coding strand, the complement: ERCC2 is on the minus strand). VCF-style: chr19-45352213-T-C. GRCh37 (hg19) VCF-style: chr19-45855471-T-C.
Other names: short protein forms H729R.
Identifiers: ClinVar variation 3276274 (VCV003276274.2).

ClinVar aggregate classification (germline): Uncertain significance. Review status: criteria provided, multiple submitters, no conflicts (2 of 4 stars). 2 submissions from 2 submitters: Uncertain significance (2). Last evaluated 2025-07-02.

Conditions:
Inborn genetic diseases. Identifiers: MedGen C0950123, MeSH D030342.

gnomAD v4.1: 1 of 1,613,396 alleles (0.000062%); highest among the groups gnomAD compares: African/African-American, 0.0013%; no homozygotes.

Submissions (2):

Labcorp Genetics (formerly Invitae), Labcorp
Classification: Uncertain significance. Last evaluated: 2025-07-02. Review status: criteria provided, single submitter. Criteria: Invitae Variant Classification Sherloc (09022015). Collection method: clinical testing. Allele origin: germline.
Comment: This sequence change replaces histidine, which is basic and polar, with arginine, which is basic and polar, at codon 729 of the ERCC2 protein (p.His729Arg). This variant is present in population databases (no rsID available, gnomAD 0.007%). This variant has not been reported in the literature in individuals affected with ERCC2-related conditions. ClinVar contains an entry for this variant (Variation ID: 3276274). Invitae Evidence Modeling of protein sequence and biophysical properties (such as structural, functional, and spatial information, amino acid conservation, physicochemical variation, residue mobility, and thermodynamic stability) has been performed for this missense variant. However, the output from this modeling did not meet the statistical confidence thresholds required to predict the impact of this variant on ERCC2 protein function. In summary, the available evidence is currently insufficient to determine the role of this variant in disease. Therefore, it has been classified as a Variant of Uncertain Significance.

Ambry Genetics
Classification: Uncertain significance for Inborn genetic diseases. Last evaluated: 2024-05-11. Review status: criteria provided, single submitter. Criteria: Ambry Variant Classification Scheme 2023. Collection method: clinical testing. Allele origin: germline.
Comment: The p.H729R variant (also known as c.2186A>G), located in coding exon 22 of the ERCC2 gene, results from an A to G substitution at nucleotide position 2186. The histidine at codon 729 is replaced by arginine, an amino acid with highly similar properties. This amino acid position is conserved. In addition, this alteration is predicted to be tolerated by in silico analysis. Based on the available evidence, the clinical significance of this variant remains unclear.